The following is an entry in ClinVar:

NM_000037.4(ANK1):c.1411C>T (p.Gln471Ter)

Gene: ANK1 (ankyrin 1; minus strand). Cytogenetic location: 8p11.21.
Variant type: single nucleotide variant.
Coding change: c.1411C>T on transcript NM_000037.4 (MANE Select); coding-DNA position 1411, C replaced by T.
Protein change: p.Gln471Ter; replaces glutamine 471 with a stop codon.
Molecular consequence: nonsense.
Genome position (GRCh38, 1-based): chr8:41,715,843, G>A on the plus strand (C>T on the coding strand, the complement: ANK1 is on the minus strand). VCF-style: chr8-41715843-G-A. GRCh37 (hg19) VCF-style: chr8-41573361-G-A.
Other names: p.Gln471*; c.1510C>T, p.Gln504Ter (NM_001142446.2); c.1411C>T, p.Gln471Ter (NM_020475.3, NM_020476.3, NM_020477.3); short protein forms Q471*, Q504*.
Identifiers: ClinVar variation 2683385 (VCV002683385.1), dbSNP rs2486915303, ClinGen allele CA371070507.

ClinVar aggregate classification (germline): Likely pathogenic (1 of 4 stars; one submission).

Submission:

Mayo Clinic Laboratories, Mayo Clinic
Classification: Likely pathogenic. Last evaluated: 2022-11-22. Review status: criteria provided, single submitter. Criteria: ACMG Guidelines, 2015. Collection method: clinical testing. Allele origin: germline. Observed: 1 variant allele.
Comment: PM2, PVS1